The following is an entry in ClinVar:

NM_005188.4(CBL):c.1696C>A (p.Pro566Thr)

Gene: CBL (Cbl proto-oncogene; plus strand). Cytogenetic location: 11q23.3.
Variant type: single nucleotide variant.
Coding change: c.1696C>A on transcript NM_005188.4 (MANE Select); coding-DNA position 1696, C replaced by A.
Protein change: p.Pro566Thr; replaces proline 566 with threonine.
Molecular consequence: missense variant.
Genome position (GRCh38, 1-based): chr11:119,285,321, C>A. VCF-style: chr11-119285321-C-A. GRCh37 (hg19) VCF-style: chr11-119156031-C-A.
Other names: short protein forms P566T.
Identifiers: ClinVar variation 2830011 (VCV002830011.3), dbSNP rs2135310542, ClinGen allele CA382919699.
Genomic context (GRCh38, chr11:119,285,321, plus strand): 5'-CCGCCTCCAGACCGGCCATATTCTGTTGGAGCAGAATCCCGACCTCAAAGACGCCCCTTG[C>A]CTTGTACACCAGGCGACTGTCCCTCCAGAGACAAACTGCCCCCTGTCCCCTCTAGCCGCC-3'
Protein context (NP_005179.2, residues 556-576): AESRPQRRPL[Pro566Thr]CTPGDCPSRD

ClinVar aggregate classification (germline): Uncertain significance (1 of 4 stars; one submission).

Conditions:
RASopathy. Also called: Noonan spectrum disorder; rasopathies. Identifiers: Orphanet 536391, MedGen C5555857, MONDO:0021060.

gnomAD v4.1: 1 of 1,614,154 alleles (0.000062%); highest among the groups gnomAD compares: Non-Finnish European, 0.000085%; no homozygotes.

Submission:

Labcorp Genetics (formerly Invitae), Labcorp
Classification: Uncertain significance for RASopathy. Last evaluated: 2024-11-19. Review status: criteria provided, single submitter. Criteria: Invitae Variant Classification Sherloc (09022015). Collection method: clinical testing. Allele origin: germline.
Comment: This sequence change replaces proline, which is neutral and non-polar, with threonine, which is neutral and polar, at codon 566 of the CBL protein (p.Pro566Thr). This variant is not present in population databases (gnomAD no frequency). This variant has not been reported in the literature in individuals affected with CBL-related conditions. ClinVar contains an entry for this variant (Variation ID: 2830011). Invitae Evidence Modeling of protein sequence and biophysical properties (such as structural, functional, and spatial information, amino acid conservation, physicochemical variation, residue mobility, and thermodynamic stability) indicates that this missense variant is not expected to disrupt CBL protein function with a negative predictive value of 95%. In summary, the available evidence is currently insufficient to determine the role of this variant in disease. Therefore, it has been classified as a Variant of Uncertain Significance.